The following is an entry in ClinVar:

ClinVar aggregate classification (germline): Pathogenic. Review status: criteria provided, multiple submitters, no conflicts (2 of 4 stars). 6 submissions from 6 submitters: Pathogenic (5). 1 of the submissions does not count toward it. Last evaluated 2024-06-07.

Conditions:
Hereditary nonpolyposis colon cancer (HNPCC). Also called: Hereditary Nonpolyposis Colorectal Cancer Syndrome; Hereditary nonpolyposis colorectal cancer; Familial nonpolyposis colon cancer. Identifiers: Orphanet 443909, MedGen C1333990, MONDO:0018630. Disease mechanism: loss of function.
Hereditary cancer-predisposing syndrome. Also called: Hereditary Cancer Syndrome; Hereditary neoplastic syndrome; Neoplastic Syndromes, Hereditary; Tumor predisposition. Identifiers: Orphanet 140162, MedGen C0027672, MeSH D009386, MONDO:0015356.
Hereditary nonpolyposis colorectal neoplasms. Identifiers: MedGen C0009405, MeSH D003123.
Lynch syndrome 5 (LYNCH5). Also called: Colorectal cancer, hereditary nonpolyposis, type 5; Hereditary non-polyposis colorectal cancer, type 5. Identifiers: Orphanet 144, MedGen C1833477, MONDO:0013710, OMIM 614350. Disease mechanism: loss of function.

Allele frequency attached by ClinVar (database versions not stated): gnomAD exomes below 0.00001.

Submissions (6):

Women's Health and Genetics/Laboratory Corporation of America, LabCorp
Classification: Pathogenic for Hereditary nonpolyposis colon cancer. Last evaluated: 2024-06-07. Review status: criteria provided, single submitter. Criteria: LabCorp Variant Classification Summary - May 2015. Collection method: clinical testing. Allele origin: germline.
Comment: Variant summary: MSH6 c.2805dupT (p.Asp936X) results in a premature termination codon, predicted to cause a truncation of the encoded protein or absence of the protein due to nonsense mediated decay, which are commonly known mechanisms for disease. The variant was absent in 250750 control chromosomes. c.2805dupT has been reported in the literature in at-least one individual affected with Lynch Syndrome (example: van der Werft Lam_2023). The following publication has been ascertained in the context of this evaluation (PMID: 37307877). ClinVar contains an entry for this variant (Variation ID: 433915). Based on the evidence outlined above, the variant was classified as pathogenic.

Myriad Genetics, Inc.
Classification: Pathogenic for Lynch syndrome 5. Last evaluated: 2023-08-21. Review status: criteria provided, single submitter. Criteria: Myriad Autosomal Dominant, Autosomal Recessive and X-Linked Classification Criteria (2023). Collection method: clinical testing. Allele origin: unknown.
Comment: This variant is considered pathogenic. This variant creates a termination codon and is predicted to result in premature protein truncation.

Labcorp Genetics (formerly Invitae), Labcorp
Classification: Pathogenic for Hereditary nonpolyposis colorectal neoplasms. Last evaluated: 2023-03-13. Review status: criteria provided, single submitter. Criteria: Invitae Variant Classification Sherloc (09022015). Collection method: clinical testing. Allele origin: germline.
Comment: This sequence change creates a premature translational stop signal (p.Asp936*) in the MSH6 gene. It is expected to result in an absent or disrupted protein product. Loss-of-function variants in MSH6 are known to be pathogenic (PMID: 18269114, 24362816). This variant is not present in population databases (gnomAD no frequency). For these reasons, this variant has been classified as Pathogenic. ClinVar contains an entry for this variant (Variation ID: 433915). This premature translational stop signal has been observed in individual(s) with clinical features of MSH6-related conditions (PMID: 21520333).

Ambry Genetics
Classification: Pathogenic for Hereditary cancer-predisposing syndrome. Last evaluated: 2018-07-09. Review status: criteria provided, single submitter. Criteria: Ambry Variant Classification Scheme 2023. Collection method: clinical testing. Allele origin: germline.
Comment: The c.2805dupT pathogenic mutation, located in coding exon 4 of the MSH6 gene, results from a duplication of T at nucleotide position 2805, causing a translational frameshift with a predicted alternate stop codon (p.D936*). This alteration is expected to result in loss of function by premature protein truncation or nonsense-mediated mRNA decay. As such, this alteration is interpreted as a disease-causing mutation.

GeneDx
Classification: Pathogenic. Last evaluated: 2017-10-13. Review status: criteria provided, single submitter. Criteria: GeneDx Variant Classification (06012015). Collection method: clinical testing. Allele origin: germline. Affected: yes.
Comment: This duplication of one nucleotide is denoted MSH6 c.2805dupT at the cDNA level and p.Asp936Ter (D936X) at the protein level. The normal sequence, with the base that is duplicated in brackets, is ACTC[dupT]GATT. The duplication creates a nonsense variant, which changes an Aspartic Acid to a premature stop codon. This variant is predicted to cause loss of normal protein function through either protein truncation or nonsense-mediated mRNA decay. Although this variant has not, to our knowledge, been reported in the literature, it is considered pathogenic.

Department of Pathology and Laboratory Medicine, Sinai Health System
Classification: Pathogenic. Review status: no assertion criteria provided. Collection method: clinical testing. Allele origin: unknown. Affected: yes. Study: The Canadian Open Genetics Repository (COGR). Not counted in ClinVar's aggregate classification.

Literature cited by the submitters: PubMed 37307877 (cited by Women's Health and Genetics/Laboratory Corporation of America, LabCorp); PubMed 18269114 (cited by Labcorp Genetics (formerly Invitae), Labcorp); PubMed 24362816 (cited by Labcorp Genetics (formerly Invitae), Labcorp); PubMed 21520333 (cited by Labcorp Genetics (formerly Invitae), Labcorp).

NM_000179.3(MSH6):c.2805dup (p.Asp936Ter)

Gene: MSH6 (mutS homolog 6; plus strand). Cytogenetic location: 2p16.3.
Variant type: Duplication.
Coding change: c.2805dup on transcript NM_000179.3 (MANE Select); coding-DNA position 2805, one base duplicated (T; older notation c.2805dupT).
Protein change: p.Asp936Ter; replaces aspartic acid 936 with a stop codon.
Molecular consequence: nonsense.
Genome position (GRCh38, 1-based): chr2:47,800,788, T duplicated. VCF-style (leftmost placement, unchanged base first): chr2-47800787-C-CT. GRCh37 (hg19) VCF-style: chr2-48027926-C-CT.
Other names: c.2805dupT (NM_000179.2, NM_000179.3); c.2415dup, p.Asp806Ter (NM_001281492.2); c.1899dup, p.Asp634Ter (NM_001281493.2, NM_001281494.2); short protein forms D806*, D634*, D936*.
Identifiers: ClinVar variation 433915 (VCV000433915.14), dbSNP rs876659189, ClinGen allele CA645372553.